The following is an entry in ClinVar:

ClinVar aggregate classification (germline): Uncertain significance (1 of 4 stars; one submission).

Allele frequency attached by ClinVar (database versions not stated): gnomAD exomes 0.00001.
gnomAD v4.1: 3 of 1,558,402 alleles (0.00019%); highest among the groups gnomAD compares: Admixed American, 0.0019%; no homozygotes.

Submission:

Labcorp Genetics (formerly Invitae), Labcorp
Classification: Uncertain significance. Last evaluated: 2022-12-03. Review status: criteria provided, single submitter. Criteria: Invitae Variant Classification Sherloc (09022015). Collection method: clinical testing. Allele origin: germline.
Comment: Variants that disrupt the consensus splice site are a relatively common cause of aberrant splicing (PMID: 17576681, 9536098). Algorithms developed to predict the effect of sequence changes on RNA splicing suggest that this variant is not likely to affect RNA splicing. In summary, the available evidence is currently insufficient to determine the role of this variant in disease. Therefore, it has been classified as a Variant of Uncertain Significance. This variant has not been reported in the literature in individuals affected with SERPING1-related conditions. This variant is present in population databases (no rsID available, gnomAD 0.009%). This sequence change falls in intron 2 of the SERPING1 gene. It does not directly change the encoded amino acid sequence of the SERPING1 protein. It affects a nucleotide within the consensus splice site.

Literature cited by the submitters: PubMed 17576681; PubMed 9536098.

NM_000062.3(SERPING1):c.51+4T>C

Gene: SERPING1 (serpin family G member 1; plus strand). Cytogenetic location: 11q12.1.
Variant type: single nucleotide variant.
Coding change: c.51+4T>C on transcript NM_000062.3 (MANE Select); 4 bases into the intron after coding-DNA position 51, T replaced by C.
Molecular consequence: intron variant.
Genome position (GRCh38, 1-based): chr11:57,598,325, T>C. VCF-style: chr11-57598325-T-C. GRCh37 (hg19) VCF-style: chr11-57365798-T-C.
Other names: c.51+4T>C (NM_001032295.2).
Identifiers: ClinVar variation 2715579 (VCV002715579.3), dbSNP rs1427729690, ClinGen allele CA599664017.